The following is an entry in ClinVar:

ClinVar aggregate classification (germline): Benign (1 of 4 stars; one submission).

Conditions:
Melanoma-pancreatic cancer syndrome. Identifiers: Orphanet 404560, MedGen C1838547, MONDO:0011713, OMIM 606719. Disease mechanism: loss of function.

gnomAD v4.1: 1 of 1,613,782 alleles (0.000062%); highest among the groups gnomAD compares: African/African-American, 0.0013%; no homozygotes.

Submission:

Myriad Genetics, Inc.
Classification: Benign for Melanoma-pancreatic cancer syndrome. Last evaluated: 2025-08-18. Review status: criteria provided, single submitter. Criteria: Myriad Autosomal Dominant, Autosomal Recessive and X-Linked Classification Criteria (2023). Collection method: clinical testing. Allele origin: unknown.
Comment: This variant is considered benign. This variant is intronic and is not expected to impact mRNA splicing.

NM_000077.5(CDKN2A):c.458-23T>C

Gene: CDKN2A (cyclin dependent kinase inhibitor 2A; minus strand). Cytogenetic location: 9p21.3.
Variant type: single nucleotide variant.
Coding change: c.458-23T>C on transcript NM_000077.5 (MANE Select); 23 bases into the intron before coding-DNA position 458, T replaced by C.
Molecular consequence: intron variant.
Genome position (GRCh38, 1-based): chr9:21,968,265, A>G on the plus strand (T>C on the coding strand, the complement: CDKN2A is on the minus strand). VCF-style: chr9-21968265-A-G. GRCh37 (hg19) VCF-style: chr9-21968264-A-G.
Other names: c.305-23T>C (NM_001363763.2); c.*102-23T>C (NM_058195.4); c.*151-23T>C (NM_001195132.2); c.*381-23T>C (NM_058197.5).
Identifiers: ClinVar variation 4294133 (VCV004294133.1).